The following is an entry in ClinVar:

ClinVar aggregate classification (germline): Uncertain significance (1 of 4 stars; one submission).

Submission:

Labcorp Genetics (formerly Invitae), Labcorp
Classification: Uncertain significance. Last evaluated: 2023-02-22. Review status: criteria provided, single submitter. Criteria: Invitae Variant Classification Sherloc (09022015). Collection method: clinical testing. Allele origin: germline.
Comment: In summary, the available evidence is currently insufficient to determine the role of this variant in disease. Therefore, it has been classified as a Variant of Uncertain Significance. Advanced modeling of protein sequence and biophysical properties (such as structural, functional, and spatial information, amino acid conservation, physicochemical variation, residue mobility, and thermodynamic stability) has been performed at Invitae for this missense variant, however the output from this modeling did not meet the statistical confidence thresholds required to predict the impact of this variant on EFTUD2 protein function. This variant has not been reported in the literature in individuals affected with EFTUD2-related conditions. This variant is not present in population databases (gnomAD no frequency). This sequence change replaces alanine, which is neutral and non-polar, with glycine, which is neutral and non-polar, at codon 877 of the EFTUD2 protein (p.Ala877Gly).

NM_004247.4(EFTUD2):c.2630C>G (p.Ala877Gly)

Gene: EFTUD2 (elongation factor Tu GTP binding domain containing 2; minus strand). Cytogenetic location: 17q21.31.
Variant type: single nucleotide variant.
Coding change: c.2630C>G on transcript NM_004247.4 (MANE Select); coding-DNA position 2630, C replaced by G.
Protein change: p.Ala877Gly; replaces alanine 877 with glycine.
Molecular consequence: missense variant.
Genome position (GRCh38, 1-based): chr17:44,852,494, G>C on the plus strand (C>G on the coding strand, the complement: EFTUD2 is on the minus strand). VCF-style: chr17-44852494-G-C. GRCh37 (hg19) VCF-style: chr17-42929862-G-C.
Other names: c.2525C>G, p.Ala842Gly (NM_001142605.2); c.2630C>G, p.Ala877Gly (NM_001258353.2); c.2600C>G, p.Ala867Gly (NM_001258354.2); short protein forms A842G, A867G, A877G.
Identifiers: ClinVar variation 2830232 (VCV002830232.3), dbSNP rs2508718437, ClinGen allele CA399838820.